The following is an entry in ClinVar:

ClinVar aggregate classification (germline): Uncertain significance. Review status: criteria provided, multiple submitters, no conflicts (2 of 4 stars). 3 submissions from 3 submitters: Uncertain significance (3). Last evaluated 2024-04-19.

Conditions:
Fanconi anemia complementation group J. Also called: BRIP1-Related Fanconi Anemia. Identifiers: Orphanet 84, MedGen C1836860, MONDO:0012187, OMIM 609054.
Familial cancer of breast. Also called: BREAST CANCER, FAMILIAL; hereditary breast carcinoma; Hereditary breast cancer. Identifiers: Orphanet 227535, MedGen C0346153, MONDO:0016419, OMIM 114480. Disease mechanism: loss of function.
Hereditary cancer-predisposing syndrome. Also called: Tumor predisposition; Hereditary neoplastic syndrome; Neoplastic Syndromes, Hereditary; Hereditary Cancer Syndrome. Identifiers: Orphanet 140162, MedGen C0027672, MeSH D009386, MONDO:0015356.

Allele frequency attached by ClinVar (database versions not stated): TOPMed below 0.00001; gnomAD 0.00001.
gnomAD v4.1: 1 of 1,613,852 alleles (0.000062%); highest among the groups gnomAD compares: Non-Finnish European, 0.000085%; no homozygotes.

Submissions (3):

Ambry Genetics
Classification: Uncertain significance for Hereditary cancer-predisposing syndrome. Last evaluated: 2024-04-19. Review status: criteria provided, single submitter. Criteria: Ambry Variant Classification Scheme 2023. Collection method: clinical testing. Allele origin: germline.
Comment: The p.L57R variant (also known as c.170T>G), located in coding exon 2 of the BRIP1 gene, results from a T to G substitution at nucleotide position 170. The leucine at codon 57 is replaced by arginine, an amino acid with dissimilar properties. This amino acid position is conserved. In addition, this alteration is predicted to be deleterious by in silico analysis. Based on the available evidence, the clinical significance of this variant remains unclear.

Labcorp Genetics (formerly Invitae), Labcorp
Classification: Uncertain significance for Familial cancer of breast; Fanconi anemia complementation group J. Last evaluated: 2024-01-19. Review status: criteria provided, single submitter. Criteria: Invitae Variant Classification Sherloc (09022015). Collection method: clinical testing. Allele origin: germline.
Comment: This sequence change replaces leucine, which is neutral and non-polar, with arginine, which is basic and polar, at codon 57 of the BRIP1 protein (p.Leu57Arg). This variant is not present in population databases (gnomAD no frequency). This variant has not been reported in the literature in individuals affected with BRIP1-related conditions. ClinVar contains an entry for this variant (Variation ID: 926810). Advanced modeling of protein sequence and biophysical properties (such as structural, functional, and spatial information, amino acid conservation, physicochemical variation, residue mobility, and thermodynamic stability) performed at Invitae indicates that this missense variant is expected to disrupt BRIP1 protein function with a positive predictive value of 80%. In summary, the available evidence is currently insufficient to determine the role of this variant in disease. Therefore, it has been classified as a Variant of Uncertain Significance.

Color Diagnostics, LLC DBA Color Health
Classification: Uncertain significance for Hereditary cancer-predisposing syndrome. Last evaluated: 2020-04-13. Review status: criteria provided, single submitter. Criteria: ACMG Guidelines, 2015. Collection method: clinical testing. Allele origin: germline.
Comment: This missense variant replaces leucine with arginine at codon 57 of the BRIP1 protein. Computational prediction suggests that this variant may have deleterious impact on protein structure and function (internally defined REVEL score threshold >= 0.7, PMID: 27666373). To our knowledge, functional studies have not been reported for this variant. This variant has not been reported in individuals affected with hereditary cancer in the literature. This variant has not been identified in the general population by the Genome Aggregation Database (gnomAD). The available evidence is insufficient to determine the role of this variant in disease conclusively. Therefore, this variant is classified as a Variant of Uncertain Significance.

NM_032043.3(BRIP1):c.170T>G (p.Leu57Arg)

Gene: BRIP1 (BRCA1 interacting DNA helicase 1; minus strand). Cytogenetic location: 17q23.2.
Variant type: single nucleotide variant.
Coding change: c.170T>G on transcript NM_032043.3 (MANE Select); coding-DNA position 170, T replaced by G.
Protein change: p.Leu57Arg; replaces leucine 57 with arginine.
Molecular consequence: missense variant.
Genome position (GRCh38, 1-based): chr17:61,859,831, A>C on the plus strand (T>G on the coding strand, the complement: BRIP1 is on the minus strand). VCF-style: chr17-61859831-A-C. GRCh37 (hg19) VCF-style: chr17-59937192-A-C.
Other names: short protein forms L57R.
Identifiers: ClinVar variation 926810 (VCV000926810.11), dbSNP rs1435822764, ClinGen allele CA400485718.